The following is an entry in ClinVar:

NM_000426.4(LAMA2):c.283+1G>A

Gene: LAMA2 (laminin subunit alpha 2; plus strand). Cytogenetic location: 6q22.33.
Variant type: single nucleotide variant.
Coding change: c.283+1G>A on transcript NM_000426.4 (MANE Select); the canonical splice donor site of the intron after coding-DNA position 283, G replaced by A.
Molecular consequence: splice donor variant.
Genome position (GRCh38, 1-based): chr6:129,050,089, G>A. VCF-style: chr6-129050089-G-A. GRCh37 (hg19) VCF-style: chr6-129371234-G-A.
Other names: c.283+1G>A (NM_001079823.2).
Identifiers: ClinVar variation 381584 (VCV000381584.22), dbSNP rs200288072, ClinGen allele CA3992263.

ClinVar aggregate classification (germline): Pathogenic/Likely pathogenic. Review status: criteria provided, multiple submitters, no conflicts (2 of 4 stars). 7 submissions from 7 submitters: Pathogenic (5); Likely pathogenic (1). 1 of the submissions does not count toward it. Last evaluated 2025-10-08.

Conditions:
LAMA2-related muscular dystrophy (LAMA2-RD). Also called: Laminin alpha 2-related dystrophy. Identifiers: MedGen C5679788, MONDO:0100228.
Muscular dystrophy, limb-girdle, autosomal recessive 23. Identifiers: Orphanet 565837, MedGen C4748327, MONDO:0029136, OMIM 618138.
Merosin deficient congenital muscular dystrophy (MDC1A). Also called: Congenital merosin-deficient muscular dystrophy 1A; Congenital Muscular Dystrophy Type 1A (MDC1A). Identifiers: Orphanet 258, MedGen C1263858, MONDO:0011925, OMIM 607855.

Allele frequency attached by ClinVar (database versions not stated): gnomAD exomes below 0.00001 and 0.00001; ExAC 0.00002; gnomAD 0.00002; TOPMed 0.00002.
gnomAD v4.1: 9 of 1,613,974 alleles (0.00056%); highest among the groups gnomAD compares: African/African-American, 0.004%; no homozygotes.

Submissions (7):

Labcorp Genetics (formerly Invitae), Labcorp
Classification: Pathogenic for LAMA2-related muscular dystrophy. Last evaluated: 2025-10-08. Review status: criteria provided, single submitter. Criteria: Invitae Variant Classification Sherloc (09022015). Collection method: clinical testing. Allele origin: germline.
Comment: This sequence change affects a donor splice site in intron 2 of the LAMA2 gene. It is expected to disrupt RNA splicing. Variants that disrupt the donor or acceptor splice site typically lead to a loss of protein function (PMID: 16199547), and loss-of-function variants in LAMA2 are known to be pathogenic (PMID: 18700894, 32904964). This variant is present in population databases (rs200288072, gnomAD 0.008%). Disruption of this splice site has been observed in individuals with muscular dystrophy (PMID: 20207543). ClinVar contains an entry for this variant (Variation ID: 381584). Algorithms developed to predict the effect of sequence changes on RNA splicing suggest that this variant may disrupt the consensus splice site. For these reasons, this variant has been classified as Pathogenic.

Fulgent Genetics
Classification: Likely pathogenic for Merosin deficient congenital muscular dystrophy; Muscular dystrophy, limb-girdle, autosomal recessive 23. Last evaluated: 2024-05-24. Review status: criteria provided, single submitter. Criteria: ACMG Guidelines, 2015. Collection method: clinical testing. Allele origin: germline.

Baylor Genetics
Classification: Pathogenic for Merosin deficient congenital muscular dystrophy. Last evaluated: 2024-02-12. Review status: criteria provided, single submitter. Criteria: ACMG Guidelines, 2015. Collection method: clinical testing. Allele origin: unknown.

GeneDx
Classification: Pathogenic. Last evaluated: 2023-07-01. Review status: criteria provided, single submitter. Criteria: GeneDx Variant Classification Process June 2021. Collection method: clinical testing. Allele origin: germline. Affected: yes.
Comment: Observed with a nonsense variant in unknown phase in a patient with congenital muscular dystrophy and absent merosin staining through immunohistochemistry (Geranmayeh et al., 2010); Muscle pathology from mice homozygous for the c.283+1 G>A variant showed altered morphology and structure (Xu et al., 1994); Canonical splice site variant predicted to result in an in-frame loss of the adjacent exon in a gene for which loss of function is a known mechanism of disease; Deletions involving coding exons of this gene are a known mechanism of disease (HGMD); Not observed at a significant frequency in large population cohorts (gnomAD); This variant is associated with the following publications: (PMID: 25525159, 7874173, 18700894, 20207543, 34103343, 24077912)

Kariminejad - Najmabadi Pathology & Genetics Center
Classification: Pathogenic for Merosin deficient congenital muscular dystrophy. Last evaluated: 2021-07-06. Review status: criteria provided, single submitter. Criteria: ACMG Guidelines, 2015. Collection method: clinical testing. Allele origin: germline. Inheritance: Autosomal recessive inheritance. Affected: yes.
Comment: PM2, PVS1, PP5

Revvity Omics, Revvity
Classification: Pathogenic. Last evaluated: 2019-08-08. Review status: criteria provided, single submitter. Criteria: ACMG Guidelines, 2015. Collection method: clinical testing. Allele origin: germline.

Counsyl
Classification: Likely pathogenic for Merosin deficient congenital muscular dystrophy. Last evaluated: 2017-02-13. Review status: no assertion criteria provided. Collection method: clinical testing. Allele origin: unknown. Not counted in ClinVar's aggregate classification.

Literature cited by the submitters: PubMed 16199547 (cited by Labcorp Genetics (formerly Invitae), Labcorp); PubMed 18700894 (cited by Labcorp Genetics (formerly Invitae), Labcorp); PubMed 32904964 (cited by Labcorp Genetics (formerly Invitae), Labcorp); PubMed 20207543 (cited by Labcorp Genetics (formerly Invitae), Labcorp and Counsyl); PubMed 25525159 (cited by Counsyl).